The following is an entry in ClinVar:

ClinVar aggregate classification (germline): Pathogenic (1 of 4 stars; one submission).

Conditions:
Long QT syndrome (LQTS). Identifiers: MedGen C0023976, MeSH D008133, MONDO:0002442. Disease mechanism: loss of function. Inheritance: Various modes of inheritance.

Submission:

Labcorp Genetics (formerly Invitae), Labcorp
Classification: Pathogenic for Long QT syndrome. Last evaluated: 2023-01-01. Review status: criteria provided, single submitter. Criteria: Invitae Variant Classification Sherloc (09022015). Collection method: clinical testing. Allele origin: germline.
Comment: For these reasons, this variant has been classified as Pathogenic. This variant has not been reported in the literature in individuals affected with KCNH2-related conditions. This variant is not present in population databases (gnomAD no frequency). This sequence change creates a premature translational stop signal (p.Tyr420*) in the KCNH2 gene. It is expected to result in an absent or disrupted protein product. Loss-of-function variants in KCNH2 are known to be pathogenic (PMID: 10973849, 19862833).

Literature cited by the submitters: PubMed 10973849; PubMed 19862833.

NM_000238.4(KCNH2):c.1260C>G (p.Tyr420Ter)

Gene: KCNH2 (potassium voltage-gated channel subfamily H member 2; minus strand). Cytogenetic location: 7q36.1.
Variant type: single nucleotide variant.
Coding change: c.1260C>G on transcript NM_000238.4 (MANE Select); coding-DNA position 1260, C replaced by G.
Protein change: p.Tyr420Ter; replaces tyrosine 420 with a stop codon.
Molecular consequence: nonsense. On other transcripts: non-coding transcript variant (2).
Genome position (GRCh38, 1-based): chr7:150,952,722, G>C on the plus strand (C>G on the coding strand, the complement: KCNH2 is on the minus strand). VCF-style: chr7-150952722-G-C. GRCh37 (hg19) VCF-style: chr7-150649810-G-C.
Other names: c.240C>G, p.Tyr80Ter (NM_001204798.2, NM_172057.3); c.972C>G, p.Tyr324Ter (NM_001406753.1, NM_001406756.1); c.1083C>G, p.Tyr361Ter (NM_001406755.1); c.960C>G, p.Tyr320Ter (NM_001406757.1); c.1260C>G, p.Tyr420Ter (NM_172056.3); short protein forms Y324*, Y361*, Y320*, Y420*, Y80*.
Identifiers: ClinVar variation 2814358 (VCV002814358.3), dbSNP rs2486049484, ClinGen allele CA369860104.